The following is an entry in ClinVar:

ClinVar aggregate classification (germline): Conflicting classifications of pathogenicity. Review status: criteria provided, conflicting classifications (1 of 4 stars). 5 submissions from 5 submitters: Uncertain significance (3); Benign (1); Likely benign (1). Last evaluated 2025-12-05.

Conditions:
Inborn genetic diseases. Identifiers: MedGen C0950123, MeSH D030342.
Epilepsy, childhood absence, susceptibility to, 6. Identifiers: Orphanet 64280, MedGen C2749872, MONDO:0012763, OMIM 611942.
Hyperaldosteronism, familial, type IV (HALD4). Also called: FH IV; ALDOSTERONISM, PRIMARY, AND HYPERTENSION. Identifiers: Orphanet 642671, MedGen C4310756, MONDO:0014875, OMIM 617027.
Idiopathic generalized epilepsy. Also called: EIG; Generalised epilepsy. Identifiers: MedGen C0270850, MONDO:0005579, OMIM 600669.

Allele frequency attached by ClinVar (database versions not stated): ExAC below 0.00001; gnomAD 0.00004 and 0.00005; TOPMed 0.00004; gnomAD exomes 0.00005; ESP Exome Variant Server 0.00009; 1000 Genomes Project 0.00020; 1000 Genomes Project 30x 0.00031.
gnomAD v4.1: 48 of 1,553,656 alleles (0.0031%); highest among the groups gnomAD compares: Admixed American, 0.012%; no homozygotes.

Submissions (5):

Labcorp Genetics (formerly Invitae), Labcorp
Classification: Benign for Idiopathic generalized epilepsy; Hyperaldosteronism, familial, type IV. Last evaluated: 2025-12-05. Review status: criteria provided, single submitter. Criteria: Invitae Variant Classification Sherloc (09022015). Collection method: clinical testing. Allele origin: germline.

Fulgent Genetics
Classification: Likely benign for Epilepsy, childhood absence, susceptibility to, 6; Hyperaldosteronism, familial, type IV. Last evaluated: 2024-05-14. Review status: criteria provided, single submitter. Criteria: ACMG Guidelines, 2015. Collection method: clinical testing. Allele origin: germline.

Ambry Genetics
Classification: Uncertain significance for Inborn genetic diseases. Last evaluated: 2021-09-17. Review status: criteria provided, single submitter. Criteria: Ambry Variant Classification Scheme 2023. Collection method: clinical testing. Allele origin: germline.

Baylor Genetics
Classification: Uncertain significance for Epilepsy, childhood absence, susceptibility to, 6. Last evaluated: 2018-05-15. Review status: criteria provided, single submitter. Criteria: ACMG Guidelines, 2015. Collection method: clinical testing. Allele origin: unknown. Affected: yes.
Comment: This variant was determined to be of uncertain significance according to ACMG Guidelines, 2015 [PMID:25741868].

Breakthrough Genomics
Classification: Uncertain significance. Review status: criteria provided, single submitter. Criteria: ACMG Guidelines, 2015. Collection method: not provided. Allele origin: germline. Inheritance: Autosomal dominant inheritance. Affected: yes.

NM_021098.3(CACNA1H):c.1768C>T (p.Arg590Trp)

Gene: CACNA1H (calcium voltage-gated channel subunit alpha1 H; plus strand). Cytogenetic location: 16p13.3.
Variant type: single nucleotide variant.
Coding change: c.1768C>T on transcript NM_021098.3 (MANE Select); coding-DNA position 1768, C replaced by T.
Protein change: p.Arg590Trp; replaces arginine 590 with tryptophan.
Molecular consequence: missense variant.
Genome position (GRCh38, 1-based): chr16:1,202,218, C>T. VCF-style: chr16-1202218-C-T. GRCh37 (hg19) VCF-style: chr16-1252218-C-T.
Other names: c.1768C>T, p.Arg590Trp (NM_001005407.2); short protein forms R590W.
Identifiers: ClinVar variation 529582 (VCV000529582.14), dbSNP rs199920661, ClinGen allele CA7800000.